The following is an entry in ClinVar:

NM_000368.5(TSC1):c.91G>C (p.Glu31Gln)

Gene: TSC1 (TSC complex subunit 1; minus strand). Cytogenetic location: 9q34.13.
Variant type: single nucleotide variant.
Coding change: c.91G>C on transcript NM_000368.5 (MANE Select); coding-DNA position 91, G replaced by C.
Protein change: p.Glu31Gln; replaces glutamic acid 31 with glutamine.
Molecular consequence: missense variant. On other transcripts: 5 prime UTR variant (1).
Genome position (GRCh38, 1-based): chr9:132,928,782, C>G on the plus strand (G>C on the coding strand, the complement: TSC1 is on the minus strand). VCF-style: chr9-132928782-C-G. GRCh37 (hg19) VCF-style: chr9-135804169-C-G.
Other names: c.91G>C, p.Glu31Gln (NM_001162426.2, NM_001162427.2); c.-169G>C (NM_001362177.2); short protein forms E31Q.
Identifiers: ClinVar variation 939840 (VCV000939840.11), dbSNP rs1847032440, ClinGen allele CA375375286.

ClinVar aggregate classification (germline): Uncertain significance. Review status: criteria provided, multiple submitters, no conflicts (2 of 4 stars). 3 submissions from 3 submitters: Uncertain significance (3). Last evaluated 2026-04-12.

Conditions:
Hereditary cancer-predisposing syndrome. Also called: Hereditary Cancer Syndrome; Neoplastic Syndromes, Hereditary; Tumor predisposition; Hereditary neoplastic syndrome. Identifiers: Orphanet 140162, MedGen C0027672, MeSH D009386, MONDO:0015356.
Tuberous sclerosis syndrome (TSC). Also called: Tuberous Sclerosis Complex; Tuberous sclerosis. Identifiers: Orphanet 805, MedGen C0041341, MONDO:0001734.
Tuberous sclerosis 1 (TSC1). Identifiers: Orphanet 805, MedGen C1854465, MONDO:0008612, OMIM 191100.

Submissions (3):

Ambry Genetics
Classification: Uncertain significance for Hereditary cancer-predisposing syndrome. Last evaluated: 2026-04-12. Review status: criteria provided, single submitter. Criteria: Ambry Variant Classification Scheme 2023. Collection method: clinical testing. Allele origin: germline.
Comment: The p.E31Q variant (also known as c.91G>C), located in coding exon 1 of the TSC1 gene, results from a G to C substitution at nucleotide position 91. The glutamic acid at codon 31 is replaced by glutamine, an amino acid with highly similar properties. This amino acid position is conserved. In addition, the in silico prediction for this alteration is inconclusive. Based on the available evidence, the clinical significance of this variant remains unclear.

Labcorp Genetics (formerly Invitae), Labcorp
Classification: Uncertain significance for Tuberous sclerosis 1. Last evaluated: 2025-07-20. Review status: criteria provided, single submitter. Criteria: Invitae Variant Classification Sherloc (09022015). Collection method: clinical testing. Allele origin: germline.
Comment: This sequence change replaces glutamic acid, which is acidic and polar, with glutamine, which is neutral and polar, at codon 31 of the TSC1 protein (p.Glu31Gln). This variant is not present in population databases (gnomAD no frequency). This variant has not been reported in the literature in individuals affected with TSC1-related conditions. ClinVar contains an entry for this variant (Variation ID: 939840). Invitae Evidence Modeling of protein sequence and biophysical properties (such as structural, functional, and spatial information, amino acid conservation, physicochemical variation, residue mobility, and thermodynamic stability) indicates that this missense variant is not expected to disrupt TSC1 protein function with a negative predictive value of 95%. In summary, the available evidence is currently insufficient to determine the role of this variant in disease. Therefore, it has been classified as a Variant of Uncertain Significance.

All of Us Research Program, National Institutes of Health
Classification: Uncertain significance for Tuberous sclerosis syndrome. Last evaluated: 2023-02-24. Review status: criteria provided, single submitter. Criteria: ACMG Guidelines, 2015. Collection method: clinical testing. Allele origin: germline. Inheritance: Autosomal dominant inheritance. Observed: 1 variant allele, 1 heterozygote.
Comment: This missense variant replaces glutamic acid with glutamine at codon 31 of the TSC1 protein. Computational prediction suggests that this variant may not impact protein structure and function (internally defined REVEL score threshold <= 0.5, PMID: 27666373). Splice site prediction tools suggest that this variant may not impact RNA splicing. To our knowledge, functional studies have not been reported for this variant. This variant has not been reported in individuals affected with hereditary cancer in the literature. This variant has not been identified in the general population by the Genome Aggregation Database (gnomAD). The available evidence is insufficient to determine the role of this variant in disease conclusively. Therefore, this variant is classified as a Variant of Uncertain Significance.

This study involves interpretation of variants in research participants for the purpose of population health screening. Participant phenotype was not available at the time of variant classification. Additional details can be found in publication PMID: 35346344, PMCID: PMC8962531